The following is an entry in ClinVar:

NM_178857.6(RP1L1):c.6173C>T (p.Pro2058Leu)

Gene: RP1L1 (RP1 like 1). Cytogenetic location: 8p23.1.
Variant type: single nucleotide variant.
Coding change: c.6173C>T on transcript NM_178857.6 (MANE Select); coding-DNA position 6173, C replaced by T.
Protein change: p.Pro2058Leu; replaces proline 2058 with leucine.
Molecular consequence: missense variant.
Genome position (GRCh38, 1-based): chr8:10,607,925, G>A on the plus strand (C>T on the coding strand, the complement: RP1L1 is on the minus strand). VCF-style: chr8-10607925-G-A. GRCh37 (hg19) VCF-style: chr8-10465435-G-A.
Other names: short protein forms P2058L.
Identifiers: ClinVar variation 1302459 (VCV001302459.3), dbSNP rs374789384, ClinGen allele CA4623426.

ClinVar aggregate classification (germline): Conflicting classifications of pathogenicity. Review status: criteria provided, conflicting classifications (1 of 4 stars). 2 submissions from 2 submitters: Uncertain significance (1); Likely benign (1). Last evaluated 2022-03-25.

Allele frequency attached by ClinVar (database versions not stated): gnomAD exomes 0.00003 and 0.00006; gnomAD 0.00008; ESP Exome Variant Server 0.00016; 1000 Genomes Project 0.00040; 1000 Genomes Project 30x 0.00078.
gnomAD v4.1: 46 of 1,586,084 alleles (0.0029%); highest among the groups gnomAD compares: African/African-American, 0.012%; no homozygotes.

Submissions (2):

Blueprint Genetics
Classification: Likely benign. Last evaluated: 2022-03-25. Review status: criteria provided, single submitter. Criteria: ACMG Guidelines, 2015. Collection method: clinical testing. Allele origin: germline.

GeneDx
Classification: Uncertain significance. Last evaluated: 2020-02-03. Review status: criteria provided, single submitter. Criteria: GeneDx Variant Classification Process June 2021. Collection method: clinical testing. Allele origin: germline. Affected: yes.
Comment: In silico analysis supports that this missense variant does not alter protein structure/function; Has not been previously published as pathogenic or benign to our knowledge